The following is an entry in ClinVar:

ClinVar aggregate classification (germline): Uncertain significance. Review status: criteria provided, multiple submitters, no conflicts (2 of 4 stars). 2 submissions from 2 submitters: Uncertain significance (2). Last evaluated 2025-08-24.

Allele frequency attached by ClinVar (database versions not stated): gnomAD 0.00003; gnomAD exomes 0.00008; ExAC 0.00023; 1000 Genomes Project 0.00040; 1000 Genomes Project 30x 0.00047.
gnomAD v4.1: 119 of 1,614,146 alleles (0.0074%); highest among the groups gnomAD compares: South Asian, 0.12%; no homozygotes.

Submissions (2):

Ambry Genetics
Classification: Uncertain significance. Last evaluated: 2025-08-24. Review status: criteria provided, single submitter. Criteria: Ambry Variant Classification Scheme 2023. Collection method: clinical testing. Allele origin: germline.

Labcorp Genetics (formerly Invitae), Labcorp
Classification: Uncertain significance. Last evaluated: 2025-03-31. Review status: criteria provided, single submitter. Criteria: Invitae Variant Classification Sherloc (09022015). Collection method: clinical testing. Allele origin: germline.
Comment: This sequence change replaces alanine, which is neutral and non-polar, with glutamic acid, which is acidic and polar, at codon 2491 of the FAT2 protein (p.Ala2491Glu). This variant is present in population databases (rs200666905, gnomAD 0.1%), and has an allele count higher than expected for a pathogenic variant. This variant has not been reported in the literature in individuals affected with FAT2-related conditions. ClinVar contains an entry for this variant (Variation ID: 2184049). Invitae Evidence Modeling of protein sequence and biophysical properties (such as structural, functional, and spatial information, amino acid conservation, physicochemical variation, residue mobility, and thermodynamic stability) indicates that this missense variant is not expected to disrupt FAT2 protein function with a negative predictive value of 80%. In summary, the available evidence is currently insufficient to determine the role of this variant in disease. Therefore, it has been classified as a Variant of Uncertain Significance.

NM_001447.3(FAT2):c.7472C>A (p.Ala2491Glu)

Genes: FAT2 (FAT atypical cadherin 2; minus strand), SLC36A1 (solute carrier family 36 member 1; plus strand). Cytogenetic location: 5q33.1.
Variant type: single nucleotide variant.
Coding change: c.7472C>A on transcript NM_001447.3 (MANE Select); coding-DNA position 7472, C replaced by A.
Protein change: p.Ala2491Glu; replaces alanine 2491 with glutamic acid.
Molecular consequence: missense variant.
Genome position (GRCh38, 1-based): chr5:151,543,655, G>T on the plus strand (C>A on the coding strand, the complement: FAT2 is on the minus strand). VCF-style: chr5-151543655-G-T. GRCh37 (hg19) VCF-style: chr5-150923216-G-T.
Other names: c.7472C>A (NM_001447.2); short protein forms A2491E.
Identifiers: ClinVar variation 2184049 (VCV002184049.5), dbSNP rs200666905, ClinGen allele CA3520954.